The following is an entry in ClinVar:

ClinVar aggregate classification (germline): Uncertain significance (1 of 4 stars; one submission).

Conditions:
Malignant hyperthermia, susceptibility to, 1 (MHS1). Also called: Anesthesia related hyperthermia; Malignant hyperpyrexia; Fulminating hyperpyrexia; Pharmacogenic myopathy; RYR1-Related Malignant Hyperthermia Susceptibility; Malignant hyperthermia suceptibility 1. Identifiers: Orphanet 423, MedGen C2930980, MONDO:0007783, OMIM 145600.

Allele frequency attached by ClinVar (database versions not stated): gnomAD exomes below 0.00001; TOPMed below 0.00001; gnomAD 0.00001.
gnomAD v4.1: 2 of 1,613,644 alleles (0.00012%); highest among the groups gnomAD compares: Non-Finnish European, 0.00017%; no homozygotes.

Submission:

All of Us Research Program, National Institutes of Health
Classification: Uncertain significance for Malignant hyperthermia, susceptibility to, 1. Last evaluated: 2024-01-11. Review status: criteria provided, single submitter. Criteria: ACMG Guidelines, 2015. Collection method: clinical testing. Allele origin: germline. Inheritance: Autosomal dominant inheritance. Observed: 1 variant allele, 1 heterozygote.
Comment: This study involves interpretation of variants in research participants for the purpose of population health screening. Participant phenotype was not available at the time of variant classification. Additional details can be found in publication PMID: 35346344, PMCID: PMC8962531

NM_000540.3(RYR1):c.5246C>T (p.Pro1749Leu)

Gene: RYR1 (ryanodine receptor 1; plus strand). Cytogenetic location: 19q13.2.
Variant type: single nucleotide variant.
Coding change: c.5246C>T on transcript NM_000540.3 (MANE Select); coding-DNA position 5246, C replaced by T.
Protein change: p.Pro1749Leu; replaces proline 1749 with leucine.
Molecular consequence: missense variant.
Genome position (GRCh38, 1-based): chr19:38,485,901, C>T. VCF-style: chr19-38485901-C-T. GRCh37 (hg19) VCF-style: chr19-38976541-C-T.
Other names: c.5246C>T, p.Pro1749Leu (NM_001042723.2); short protein forms P1749L.
Identifiers: ClinVar variation 3074999 (VCV003074999.1), dbSNP rs1437627665, ClinGen allele CA405654291.